The following is an entry in ClinVar:

ClinVar aggregate classification (germline): Uncertain significance. Review status: criteria provided, multiple submitters, no conflicts (2 of 4 stars). 2 submissions from 2 submitters: Uncertain significance (2). Last evaluated 2025-06-12.

Allele frequency attached by ClinVar (database versions not stated): ExAC 0.00001; TOPMed 0.00002.
gnomAD v4.1: 7 of 1,612,764 alleles (0.00043%); highest among the groups gnomAD compares: African/African-American, 0.0081%; no homozygotes.

Submissions (2):

Labcorp Genetics (formerly Invitae), Labcorp
Classification: Uncertain significance. Last evaluated: 2025-06-12. Review status: criteria provided, single submitter. Criteria: Invitae Variant Classification Sherloc (09022015). Collection method: clinical testing. Allele origin: germline.
Comment: This sequence change replaces glycine, which is neutral and non-polar, with cysteine, which is neutral and slightly polar, at codon 295 of the ADGRE2 protein (p.Gly295Cys). The frequency data for this variant in the population databases is considered unreliable, as metrics indicate poor data quality at this position in the gnomAD database. This variant has not been reported in the literature in individuals affected with ADGRE2-related conditions. ClinVar contains an entry for this variant (Variation ID: 2180005). An algorithm developed to predict the effect of missense changes on protein structure and function (PolyPhen-2) suggests that this variant is likely to be tolerated. In summary, the available evidence is currently insufficient to determine the role of this variant in disease. Therefore, it has been classified as a Variant of Uncertain Significance.

Ambry Genetics
Classification: Uncertain significance. Last evaluated: 2021-12-14. Review status: criteria provided, single submitter. Criteria: Ambry Variant Classification Scheme 2023. Collection method: clinical testing. Allele origin: germline.

NM_013447.4(ADGRE2):c.883G>T (p.Gly295Cys)

Gene: ADGRE2 (adhesion G protein-coupled receptor E2; minus strand). Cytogenetic location: 19p13.12.
Variant type: single nucleotide variant.
Coding change: c.883G>T on transcript NM_013447.4 (MANE Select); coding-DNA position 883, G replaced by T.
Protein change: p.Gly295Cys; replaces glycine 295 with cysteine.
Molecular consequence: missense variant.
Genome position (GRCh38, 1-based): chr19:14,765,343, C>A on the plus strand (G>T on the coding strand, the complement: ADGRE2 is on the minus strand). VCF-style: chr19-14765343-C-A. GRCh37 (hg19) VCF-style: chr19-14876155-C-A.
Other names: c.883G>T (NM_013447.2); c.883G>T, p.Gly295Cys (NM_001271052.1); c.736G>T, p.Gly246Cys (NM_152916.2); c.604G>T, p.Gly202Cys (NM_152917.2); short protein forms G202C, G246C, G295C.
Identifiers: ClinVar variation 2180005 (VCV002180005.5), dbSNP rs376655156, ClinGen allele CA9257869.